The following is an entry in ClinVar:

NM_006343.3(MERTK):c.2164C>T (p.Arg722Ter)

Gene: MERTK (MER proto-oncogene, tyrosine kinase; plus strand). Cytogenetic location: 2q13.
Variant type: single nucleotide variant.
Coding change: c.2164C>T on transcript NM_006343.3 (MANE Select); coding-DNA position 2164, C replaced by T.
Protein change: p.Arg722Ter; replaces arginine 722 with a stop codon.
Molecular consequence: nonsense.
Genome position (GRCh38, 1-based): chr2:112,019,497, C>T. VCF-style: chr2-112019497-C-T. GRCh37 (hg19) VCF-style: chr2-112777074-C-T.
Other names: short protein forms R722*.
Identifiers: ClinVar variation 437995 (VCV000437995.16), dbSNP rs541717028, ClinGen allele CA1831727.

ClinVar aggregate classification (germline): Pathogenic. Review status: criteria provided, multiple submitters, no conflicts (2 of 4 stars). 7 submissions from 7 submitters: Pathogenic (5). 2 of the submissions do not count toward it. Last evaluated 2024-11-11.

Conditions:
MERTK-related disorder. Also called: MERTK-related condition.
Retinal dystrophy. Also called: Inherited retinal dystrophy. Identifiers: Orphanet 71862, MedGen C0854723, MeSH D058499, MONDO:0019118, HP:0000556.
Retinitis pigmentosa 38 (RP38). Also called: ROD-CONE DYSTROPHY, CHILDHOOD-ONSET. Identifiers: Orphanet 791, MedGen C3151228, MONDO:0013469, OMIM 613862.
Retinitis pigmentosa (RP). Identifiers: Orphanet 791, MedGen C0035334, MeSH D012174, MONDO:0019200, OMIM 268000. Inheritance: Autosomal dominant, autosomal recessive and X linked inheritance.

Allele frequency attached by ClinVar (database versions not stated): gnomAD exomes 0.00001; ExAC 0.00002; TOPMed 0.00003; gnomAD 0.00004; 1000 Genomes Project 30x 0.00016; 1000 Genomes Project 0.00020.
gnomAD v4.1: 19 of 1,613,284 alleles (0.0012%); highest among the groups gnomAD compares: African/African-American, 0.004%; no homozygotes.

Submissions (7):

Labcorp Genetics (formerly Invitae), Labcorp
Classification: Pathogenic. Last evaluated: 2024-11-11. Review status: criteria provided, single submitter. Criteria: Invitae Variant Classification Sherloc (09022015). Collection method: clinical testing. Allele origin: germline.
Comment: This sequence change creates a premature translational stop signal (p.Arg722*) in the MERTK gene. It is expected to result in an absent or disrupted protein product. Loss-of-function variants in MERTK are known to be pathogenic (PMID: 24265693, 29659094). This variant is present in population databases (rs541717028, gnomAD 0.008%). This premature translational stop signal has been observed in individuals with autosomal recessive retinitis pigmentosa (PMID: 15111602, 25097241, 28041643). ClinVar contains an entry for this variant (Variation ID: 437995). Algorithms developed to predict the effect of sequence changes on RNA splicing suggest that this variant may disrupt the consensus splice site. For these reasons, this variant has been classified as Pathogenic.

MGZ Medical Genetics Center
Classification: Pathogenic for Retinitis pigmentosa 38. Last evaluated: 2021-08-03. Review status: criteria provided, single submitter. Criteria: ACMG Guidelines, 2015. Collection method: clinical testing. Allele origin: germline. Affected: yes. Observed: 1 variant allele.
Comment: ACMG criteria applied: PVS1, PS4, PM2_SUP

Broad Center for Mendelian Genomics, Broad Institute of MIT and Harvard
Classification: Pathogenic for Retinitis pigmentosa. Last evaluated: 2021-04-01. Review status: criteria provided, single submitter. Criteria: ACMG Guidelines, 2015. Collection method: curation. Allele origin: germline. Inheritance: Autosomal recessive inheritance. Affected: yes.
Comment: Through a review of available evidence we were able to apply the following criteria: PVS1, PM2, PM3-P. Based on this evidence we have classified this variant as Pathogenic. If you have any questions about the classification please reach out to the Pierce Lab.

Blueprint Genetics
Classification: Pathogenic for MERTK-related disorders. Last evaluated: 2020-03-11. Review status: criteria provided, single submitter. Criteria: ACMG Guidelines, 2015. Collection method: clinical testing. Allele origin: germline. Affected: yes. Observed: 3 variant alleles.

Institute of Human Genetics, Univ. Regensburg, Univ. Regensburg
Classification: Pathogenic for Retinal dystrophy. Last evaluated: 2018-01-01. Review status: criteria provided, single submitter. Criteria: ACMG Guidelines, 2015. Collection method: clinical testing. Allele origin: germline. Affected: yes.

Sharon lab, Hadassah-Hebrew University Medical Center
Classification: Pathogenic for Retinitis pigmentosa. Last evaluated: 2019-06-23. Review status: no assertion criteria provided. Collection method: research. Allele origin: inherited. Affected: yes. Not counted in ClinVar's aggregate classification.

NIHR Bioresource Rare Diseases, University of Cambridge
Classification: Pathogenic for Retinitis pigmentosa. Last evaluated: 2015-01-01. Review status: no assertion criteria provided. Collection method: research. Allele origin: unknown. Affected: yes. Observed: 1 variant allele. Not counted in ClinVar's aggregate classification.

Literature cited by the submitters: PubMed 24265693 (cited by Labcorp Genetics (formerly Invitae), Labcorp); PubMed 29659094 (cited by Labcorp Genetics (formerly Invitae), Labcorp); PubMed 15111602 (cited by 4 submitters); PubMed 25097241 (cited by 3 submitters); PubMed 28041643 (cited by 3 submitters); PubMed 34906470 (cited by Broad Center for Mendelian Genomics, Broad Institute of MIT and Harvard); PubMed 25525159 (cited by Institute of Human Genetics, Univ. Regensburg, Univ. Regensburg); PubMed 31964843 (cited by Institute of Human Genetics, Univ. Regensburg, Univ. Regensburg); PubMed 31456290 (cited by Institute of Human Genetics, Univ. Regensburg, Univ. Regensburg); PubMed 32581362 (cited by Institute of Human Genetics, Univ. Regensburg, Univ. Regensburg); PubMed 36460718 (cited by Institute of Human Genetics, Univ. Regensburg, Univ. Regensburg).